The following is an entry in ClinVar:

NM_000059.4(BRCA2):c.7711G>A (p.Glu2571Lys)

Gene: BRCA2 (BRCA2 DNA repair associated; plus strand). Cytogenetic location: 13q13.1.
Variant type: single nucleotide variant.
Coding change: c.7711G>A on transcript NM_000059.4 (MANE Select); coding-DNA position 7711, G replaced by A.
Protein change: p.Glu2571Lys; replaces glutamic acid 2571 with lysine.
Molecular consequence: missense variant.
Genome position (GRCh38, 1-based): chr13:32,357,835, G>A. VCF-style: chr13-32357835-G-A. GRCh37 (hg19) VCF-style: chr13-32931972-G-A.
Other names: short protein forms E2571K.
Identifiers: ClinVar variation 232025 (VCV000232025.16), dbSNP rs876659501, ClinGen allele CA10579750.

ClinVar aggregate classification (germline): Conflicting classifications of pathogenicity. Review status: criteria provided, conflicting classifications (1 of 4 stars). 4 submissions from 4 submitters: Uncertain significance (1); Likely benign (1). 2 of the submissions do not count toward it. Last evaluated 2025-12-22.

Conditions:
Breast-ovarian cancer, familial, susceptibility to, 2 (BROVCA2). Also called: BRCA2 Hereditary Breast and Ovarian Cancer. Identifiers: Orphanet 145, MedGen C2675520, MONDO:0012933, OMIM 612555. Disease mechanism: loss of function.
Hereditary cancer-predisposing syndrome. Also called: Hereditary Cancer Syndrome; Neoplastic Syndromes, Hereditary; Tumor predisposition; Hereditary neoplastic syndrome. Identifiers: Orphanet 140162, MedGen C0027672, MeSH D009386, MONDO:0015356.
Hereditary breast ovarian cancer syndrome. Also called: Hereditary breast and/or ovarian cancer syndrome; BRCA1- and BRCA2-Associated Hereditary Breast and Ovarian Cancer; Hereditary breast and ovarian cancer syndrome (HBOC); Hereditary breast and ovarian cancer; Hereditary breast and ovarian cancer syndrome; Breast and ovarian cancer. Identifiers: Orphanet 145, MedGen C0677776, MeSH D061325, MONDO:0003582. Disease mechanism: loss of function.

Allele frequency attached by ClinVar (database versions not stated): gnomAD 0.00001.
gnomAD v4.1: 1 of 1,614,026 alleles (0.000062%); highest among the groups gnomAD compares: African/African-American, 0.0013%; no homozygotes.

Submissions (4):

Labcorp Genetics (formerly Invitae), Labcorp
Classification: Uncertain significance for Hereditary breast ovarian cancer syndrome. Last evaluated: 2025-12-22. Review status: criteria provided, single submitter. Criteria: Invitae Variant Classification Sherloc (09022015). Collection method: clinical testing. Allele origin: germline.
Comment: This sequence change replaces glutamic acid, which is acidic and polar, with lysine, which is basic and polar, at codon 2571 of the BRCA2 protein (p.Glu2571Lys). This variant is not present in population databases (gnomAD no frequency). This missense change has been observed in individual(s) with prostate cancer (PMID: 21952622). ClinVar contains an entry for this variant (Variation ID: 232025). Invitae Evidence Modeling incorporating data from in vitro experimental studies (PMID: 33609447) indicates that this missense variant is not expected to disrupt BRCA2 function with a negative predictive value of 95%. In summary, the available evidence is currently insufficient to determine the role of this variant in disease. Therefore, it has been classified as a Variant of Uncertain Significance.

Ambry Genetics
Classification: Likely benign for Hereditary cancer-predisposing syndrome. Last evaluated: 2020-02-25. Review status: criteria provided, single submitter. Criteria: Ambry Variant Classification Scheme 2023. Collection method: clinical testing. Allele origin: germline.

Genetic Services Laboratory, University of Chicago
Classification: Uncertain significance. Last evaluated: 2022-07-27. Review status: no assertion criteria provided. Collection method: clinical testing. Allele origin: germline. Affected: no. Not counted in ClinVar's aggregate classification.
Comment: DNA sequence analysis of the BRCA2 gene demonstrated a sequence change, c.7711G>A, in exon 16 that results in an amino acid change, p.Glu2571Lys. Has not been described in population databases such as ExAC and gnomAD. The p.Glu2571Lys change affects a highly conserved amino acid residue located in a domain of the BRCA2 protein that is known to be functional. The p.Glu2571Lys substitution appears to be deleterious using several in-silico pathogenicity prediction tools (SIFT, PolyPhen2, Align GVGD, REVEL). This sequence change has been observed in one individual with prostate cancer (PMID: 21952622). Due to insufficient evidences and the lack of functional studies, the clinical significance of the p.Glu2571Lys change remains unknown at this time. Heterozygous pathogenic variants in BRCA2 are associated with an increased risk for multiple cancers including breast, ovarian, prostate, pancreatic, melanoma, hematologic malignancies, and possibly others (PMID: 34275479, 20301425, 20215531, 23099806, 20587410).

Counsyl
Classification: Uncertain significance for Breast-ovarian cancer, familial, susceptibility to, 2. Last evaluated: 2017-12-14. Review status: no assertion criteria provided. Collection method: clinical testing. Allele origin: unknown. Not counted in ClinVar's aggregate classification.

Literature cited by the submitters: PubMed 21952622 (cited by 3 submitters); PubMed 33609447 (cited by Labcorp Genetics (formerly Invitae), Labcorp).